The following is an entry in ClinVar:

NM_001127222.2(CACNA1A):c.7489C>T (p.Pro2497Ser)

Gene: CACNA1A (calcium voltage-gated channel subunit alpha1 A; minus strand). Cytogenetic location: 19p13.13.
Variant type: single nucleotide variant.
Coding change: c.7489C>T on transcript NM_001127222.2 (MANE Select); coding-DNA position 7489, C replaced by T.
Protein change: p.Pro2497Ser; replaces proline 2497 with serine.
Molecular consequence: missense variant. On other transcripts: 3 prime UTR variant (3).
Genome position (GRCh38, 1-based): chr19:13,207,345, G>A on the plus strand (C>T on the coding strand, the complement: CACNA1A is on the minus strand). VCF-style: chr19-13207345-G-A. GRCh37 (hg19) VCF-style: chr19-13318159-G-A.
Other names: c.*701C>T (NM_000068.4, NM_001127221.2, NM_001174080.2); c.7507C>T, p.Pro2503Ser (NM_023035.3); short protein forms P2497S, P2503S.
Identifiers: ClinVar variation 4602431 (VCV004602431.1).
Genomic context (GRCh38, chr19:13,207,345, plus strand): 5'-GGCCGGGCGGGCGCCACCTCGCCCGGGCTTAGCACCAATCATCGTCACTCTCGCTGTAGG[G>A]TTCGTGCAGGCCCTTCCTGGAGCCCGGCCCGCGGGGCCTGGCCAGTCCGTGCGCCGGGTA-3'
Protein context (NP_001120694.1, residues 2487-2506): GPGSRKGLHE[Pro2497Ser]YSESDDDWC

ClinVar aggregate classification (germline): Uncertain significance (1 of 4 stars; one submission).

Conditions:
Inborn genetic diseases. Identifiers: MedGen C0950123, MeSH D030342.

Submission:

Ambry Genetics
Classification: Uncertain significance for Inborn genetic diseases. Last evaluated: 2025-12-04. Review status: criteria provided, single submitter. Criteria: Ambry Variant Classification Scheme 2023. Collection method: clinical testing. Allele origin: germline.
Comment: The c.7489C>T (p.P2497S) alteration is located in exon 47 (coding exon 47) of the CACNA1A gene. This alteration results from a C to T substitution at nucleotide position 7489, causing the proline (P) at amino acid position 2497 to be replaced by a serine (S). Based on data from gnomAD, the T allele has an overall frequency of 0.003% (1/30934) total alleles studied. The highest observed frequency was 0.012% (1/8576) of African alleles. Based on insufficient or conflicting evidence, the clinical significance of this alteration remains unclear.